The following is an entry in ClinVar:

NM_025137.4(SPG11):c.2079C>T (p.Ala693=)

Gene: SPG11 (SPG11 vesicle trafficking associated, spatacsin; minus strand). Cytogenetic location: 15q21.1.
Variant type: single nucleotide variant.
Coding change: c.2079C>T on transcript NM_025137.4 (MANE Select); coding-DNA position 2079, C replaced by T.
Protein change: p.Ala693=; no amino-acid change (alanine 693 retained).
Molecular consequence: synonymous variant.
Genome position (GRCh38, 1-based): chr15:44,626,496, G>A on the plus strand (C>T on the coding strand, the complement: SPG11 is on the minus strand). VCF-style: chr15-44626496-G-A. GRCh37 (hg19) VCF-style: chr15-44918694-G-A.
Other names: c.2079C>T, p.Ala693= (NM_001160227.2).
Identifiers: ClinVar variation 700779 (VCV000700779.11), dbSNP rs776740393, ClinGen allele CA7535346.
Genomic context (GRCh38, chr15:44,626,496, plus strand): 5'-ATGACTATCAATCCTGAAGAAAGTCTGTGCCTCTGGTATTTTGTTGTTTAAAATGGCGCT[G>A]GCAATAACTTCCTAGGAAAAGAAAAACGTTTGCCTTTTAAGTTCTTTTTCATTTCCTTAT-3'
Protein context (NP_079413.3, residues 683-703): WKKLSFEEVI[Ala693=]SAILNNKIPE

ClinVar aggregate classification (germline): Likely benign. Review status: criteria provided, multiple submitters, no conflicts (2 of 4 stars). 2 submissions from 2 submitters: Likely benign (2). Last evaluated 2025-10-09.

Conditions:
SPG11-related disorder. Also called: SPG11-related condition.
Hereditary spastic paraplegia 11. Also called: Spastic paraplegia, mental retardation and thin corpus callosum; Spastic Paraplegia 11; SPASTIC PARAPLEGIA, AUTOSOMAL RECESSIVE, COMPLICATED, WITH THIN CORPUS CALLOSUM; SPASTIC PARAPLEGIA, AUTOSOMAL RECESSIVE, WITH MENTAL IMPAIRMENT AND THIN CORPUS CALLOSUM; Nakamura Osame syndrome; Autosomal recessive hereditary spastic paraplegia, mental impairment, and thin corpus callosum. Identifiers: Orphanet 2822, MedGen C1858479, MONDO:0011445, OMIM 604360.

Allele frequency attached by ClinVar (database versions not stated): TOPMed below 0.00001; ExAC 0.00001; gnomAD 0.00001; gnomAD exomes 0.00001.
gnomAD v4.1: 35 of 1,613,528 alleles (0.0022%); highest among the groups gnomAD compares: Non-Finnish European, 0.0029%; no homozygotes.

Submissions (2):

PreventionGenetics, part of Exact Sciences
Classification: Likely benign for SPG11-related condition. Last evaluated: 2025-10-09. Review status: criteria provided, single submitter. Criteria: ACMG Guidelines, 2015. Collection method: clinical testing. Allele origin: germline.
Comment: This variant is classified as likely benign based on ACMG/AMP sequence variant interpretation guidelines (Richards et al. 2015 PMID: 25741868, with internal and published modifications).

Labcorp Genetics (formerly Invitae), Labcorp
Classification: Likely benign for Hereditary spastic paraplegia 11. Last evaluated: 2025-01-12. Review status: criteria provided, single submitter. Criteria: Invitae Variant Classification Sherloc (09022015). Collection method: clinical testing. Allele origin: germline.